The following is an entry in ClinVar:

ClinVar aggregate classification (germline): Uncertain significance. Review status: criteria provided, multiple submitters, no conflicts (2 of 4 stars). 2 submissions from 2 submitters: Uncertain significance (2). Last evaluated 2026-04-10.

Conditions:
Lymphatic malformation 6 (LMPHM6). Also called: PIEZO1-related generalized lymphatic dysplasia with non-immune hydrops fetalis; GENERALIZED LYMPHATIC DYSPLASIA OF FOTIOU; Lymphedema, hereditary, III. Identifiers: Orphanet 568062, MedGen C4225184, MONDO:0014797, OMIM 616843.
Dehydrated hereditary stomatocytosis with or without pseudohyperkalemia and/or perinatal edema (DHS1). Also called: Dehydrated hereditary stomatocytosis 1 with or without pseudohyperkalemia and/or perinatal edema; PSEUDOHYPERKALEMIA EDINBURGH; DEHYDRATED HEREDITARY STOMATOCYTOSIS AND PSEUDOHYPERKALEMIA; DEHYDRATED HEREDITARY STOMATOCYTOSIS WITH PSEUDOHYPERKALEMIA AND PERINATAL EDEMA; Pseudohyperkalemia, familial, 1, due to red cell leak. Identifiers: Orphanet 3202, MedGen C4551512, MONDO:0008689, OMIM 194380.

gnomAD v4.1: 3 of 1,550,046 alleles (0.00019%); highest among the groups gnomAD compares: Non-Finnish European, 0.00026%; no homozygotes.

Submissions (2):

Clinical Genomics Laboratory, Washington University in St. Louis
Classification: Uncertain significance for Lymphatic malformation 6; Dehydrated hereditary stomatocytosis with or without pseudohyperkalemia and/or perinatal edema. Last evaluated: 2026-04-10. Review status: criteria provided, single submitter. Criteria: ACMG Guidelines, 2015. Collection method: clinical testing. Allele origin: germline.
Comment: A PIEZO1 c.1930G>C (p.Val644Leu) variant was identified at a near heterozygous allelic fraction of 48.2%, a frequency which may be consistent with it being of germline origin. This variant, to our knowledge, has not been reported in the medical literature. It has been reported in the ClinVar database as a germline variant of uncertain significance by one submitter (Variation ID: 2575323). It is only observed on 3/1,550,046 alleles in the general population (gnomAD v4.1.1), indicating it is not a common variant. Computational predictors suggest that the variant does not impact PIEZO1 function. Due to limited information, and based on ACMG/AMP guidelines for variant interpretation (Richards S et al., PMID: 25741868), the clinical significance of this variant is uncertain at this time.

Center for Genomic Medicine, Rigshospitalet, Copenhagen University Hospital
Classification: Uncertain significance. Last evaluated: 2025-03-04. Review status: criteria provided, single submitter. Criteria: ACMG Guidelines, 2015. Collection method: clinical testing. Allele origin: germline.

Literature cited by the submitters: uncertain (cited by Clinical Genomics Laboratory, Washington University in St. Louis).

NM_001142864.4(PIEZO1):c.1930G>C (p.Val644Leu)

Genes: HSALR1 (HSP90AB1 associated lncRNA 1; plus strand), PIEZO1 (piezo type mechanosensitive ion channel component 1 (Er blood group); minus strand). Cytogenetic location: 16q24.3.
Variant type: single nucleotide variant.
Coding change: c.1930G>C on transcript NM_001142864.4 (MANE Select); coding-DNA position 1930, G replaced by C.
Protein change: p.Val644Leu; replaces valine 644 with leucine.
Molecular consequence: missense variant.
Genome position (GRCh38, 1-based): chr16:88,734,717, C>G on the plus strand (G>C on the coding strand, the complement: PIEZO1 is on the minus strand). VCF-style: chr16-88734717-C-G. GRCh37 (hg19) VCF-style: chr16-88801125-C-G.
Other names: c.475G>C, p.Val159Leu (NM_014745.1); short protein forms V159L, V644L.
Identifiers: ClinVar variation 2575323 (VCV002575323.3), dbSNP rs1314158150, ClinGen allele CA397114702.